The following is an entry in ClinVar:

ClinVar aggregate classification (germline): Pathogenic (1 of 4 stars; one submission).

Conditions:
Methylmalonic aciduria due to methylmalonyl-CoA mutase deficiency (MAMM). Also called: Methylmalonic aciduria, mut type. Identifiers: Orphanet 27, MedGen C1855114, MONDO:0009612, OMIM 251000.

Submission:

Juno Genomics, Hangzhou Juno Genomics, Inc
Classification: Pathogenic for Methylmalonic aciduria due to methylmalonyl-CoA mutase deficiency. Review status: criteria provided, single submitter. Criteria: ACMG Guidelines, 2015. Collection method: clinical testing. Allele origin: germline.
Comment: Absent from controls (or at extremely low frequency if recessive) in Genome Aggregation Database.;Multiple lines of computational evidence support a deleterious effect on the gene or gene product.;Novel missense change at an amino acid residue where a different missense change determined to be pathogenic has been seen before.;For recessive disorders, detected in trans with a pathogenic variant.;Patient's phenotype or family history is highly specific for a disease with a single genetic etiology.

NM_000255.4(MMUT):c.1888G>A (p.Gly630Arg)

Gene: MMUT (methylmalonyl-CoA mutase; minus strand). Cytogenetic location: 6p12.3.
Variant type: single nucleotide variant.
Coding change: c.1888G>A on transcript NM_000255.4 (MANE Select); coding-DNA position 1888, G replaced by A.
Protein change: p.Gly630Arg; replaces glycine 630 with arginine.
Molecular consequence: missense variant.
Genome position (GRCh38, 1-based): chr6:49,440,274, C>T on the plus strand (G>A on the coding strand, the complement: MMUT is on the minus strand). VCF-style: chr6-49440274-C-T. GRCh37 (hg19) VCF-style: chr6-49407987-C-T.
Other names: short protein forms G630R.
Identifiers: ClinVar variation 5019937 (VCV005019937.2).